The following is an entry in ClinVar:

NM_178012.5(TUBB2B):c.841T>C (p.Tyr281His)

Gene: TUBB2B (tubulin beta 2B class IIb; minus strand). Cytogenetic location: 6p25.2.
Variant type: single nucleotide variant.
Coding change: c.841T>C on transcript NM_178012.5 (MANE Select); coding-DNA position 841, T replaced by C.
Protein change: p.Tyr281His; replaces tyrosine 281 with histidine.
Molecular consequence: missense variant.
Genome position (GRCh38, 1-based): chr6:3,225,248, A>G on the plus strand (T>C on the coding strand, the complement: TUBB2B is on the minus strand). VCF-style: chr6-3225248-A-G. GRCh37 (hg19) VCF-style: chr6-3225482-A-G.
Other names: short protein forms Y281H.
Identifiers: ClinVar variation 3660510 (VCV003660510.2).
Genomic context (GRCh38, chr6:3,225,248, plus strand): 5'-CCATCATGTTCTTGGAGTCGAACATCTGCTGGGTGAGCTCGGGCACCGTGAGCGCCCGGT[A>G]CTGCTGGCTGCCCCGGCTGGTCAGGGGCGCGAAGCCGGGCATGAAGAAGTGCAGGCGAGG-3'
Protein context (NP_821080.1, residues 271-291): APLTSRGSQQ[Tyr281His]RALTVPELTQ

ClinVar aggregate classification (germline): Uncertain significance (1 of 4 stars; one submission).

Submission:

Labcorp Genetics (formerly Invitae), Labcorp
Classification: Uncertain significance. Last evaluated: 2024-07-24. Review status: criteria provided, single submitter. Criteria: Invitae Variant Classification Sherloc (09022015). Collection method: clinical testing. Allele origin: germline.
Comment: This sequence change replaces tyrosine, which is neutral and polar, with histidine, which is basic and polar, at codon 281 of the TUBB2B protein (p.Tyr281His). This variant is not present in population databases (gnomAD no frequency). This variant has not been reported in the literature in individuals affected with TUBB2B-related conditions. Advanced modeling of protein sequence and biophysical properties (such as structural, functional, and spatial information, amino acid conservation, physicochemical variation, residue mobility, and thermodynamic stability) performed at Invitae indicates that this missense variant is expected to disrupt TUBB2B protein function with a positive predictive value of 80%. In summary, the available evidence is currently insufficient to determine the role of this variant in disease. Therefore, it has been classified as a Variant of Uncertain Significance.